The following is an entry in ClinVar:

NM_001369.3(DNAH5):c.11857A>T (p.Arg3953Ter)

Gene: DNAH5 (dynein axonemal heavy chain 5; minus strand). Cytogenetic location: 5p15.2.
Variant type: single nucleotide variant.
Coding change: c.11857A>T on transcript NM_001369.3 (MANE Select); coding-DNA position 11857, A replaced by T.
Protein change: p.Arg3953Ter; replaces arginine 3953 with a stop codon.
Molecular consequence: nonsense.
Genome position (GRCh38, 1-based): chr5:13,729,465, T>A on the plus strand (A>T on the coding strand, the complement: DNAH5 is on the minus strand). VCF-style: chr5-13729465-T-A. GRCh37 (hg19) VCF-style: chr5-13729574-T-A.
Other names: short protein forms R3953*.
Identifiers: ClinVar variation 1726280 (VCV001726280.2), dbSNP rs2546546992, ClinGen allele CA359219773.

ClinVar aggregate classification (germline): Likely pathogenic (1 of 4 stars; one submission).

Conditions:
Primary ciliary dyskinesia 3. Identifiers: Orphanet 244, MedGen C1837618, MONDO:0012085, OMIM 608644.

Submission:

Myriad Genetics, Inc.
Classification: Likely pathogenic for Primary ciliary dyskinesia 3. Last evaluated: 2021-12-10. Review status: criteria provided, single submitter. Criteria: Myriad Women's Health Autosomal Recessive and X-Linked Classification Criteria (2021). Collection method: clinical testing. Allele origin: unknown.
Comment: NM_001369.2(DNAH5):c.11857A>T(R3953*) is expected to be pathogenic in the context of DNAH5-related primary ciliary dyskinesia. This variant is predicted to lead to an abnormal or absent protein product due to the creation of a premature termination codon in DNAH5, a gene where loss-of-function variants are known to be pathogenic. Please note: this variant was assessed in the context of healthy population screening.